The following is an entry in ClinVar:

NM_032620.4(GTPBP3):c.1216G>A (p.Gly406Ser)

Gene: GTPBP3 (GTP binding protein 3, mitochondrial; plus strand). Cytogenetic location: 19p13.11.
Variant type: single nucleotide variant.
Coding change: c.1216G>A on transcript NM_032620.4 (MANE Select); coding-DNA position 1216, G replaced by A.
Protein change: p.Gly406Ser; replaces glycine 406 with serine.
Molecular consequence: missense variant.
Genome position (GRCh38, 1-based): chr19:17,341,285, G>A. VCF-style: chr19-17341285-G-A. GRCh37 (hg19) VCF-style: chr19-17452094-G-A.
Other names: c.1153G>A, p.Gly385Ser (NM_001128855.3); c.1282G>A, p.Gly428Ser (NM_001195422.1); c.1312G>A, p.Gly438Ser (NM_133644.4); short protein forms G438S, G385S, G428S, G406S.
Identifiers: ClinVar variation 1387118 (VCV001387118.6), dbSNP rs768309067, ClinGen allele CA9293668.

ClinVar aggregate classification (germline): Uncertain significance (1 of 4 stars; one submission).

Allele frequency attached by ClinVar (database versions not stated): gnomAD exomes below 0.00001 and 0.00001; TOPMed below 0.00001; ExAC 0.00001.
gnomAD v4.1: 4 of 1,604,578 alleles (0.00025%); highest among the groups gnomAD compares: South Asian, 0.0022%; no homozygotes.

Submission:

Labcorp Genetics (formerly Invitae), Labcorp
Classification: Uncertain significance. Last evaluated: 2022-11-22. Review status: criteria provided, single submitter. Criteria: Invitae Variant Classification Sherloc (09022015). Collection method: clinical testing. Allele origin: germline.
Comment: In summary, the available evidence is currently insufficient to determine the role of this variant in disease. Therefore, it has been classified as a Variant of Uncertain Significance. Advanced modeling of protein sequence and biophysical properties (such as structural, functional, and spatial information, amino acid conservation, physicochemical variation, residue mobility, and thermodynamic stability) performed at Invitae indicates that this missense variant is not expected to disrupt GTPBP3 protein function. ClinVar contains an entry for this variant (Variation ID: 1387118). This variant has not been reported in the literature in individuals affected with GTPBP3-related conditions. This variant is present in population databases (rs768309067, gnomAD 0.007%). This sequence change replaces glycine, which is neutral and non-polar, with serine, which is neutral and polar, at codon 438 of the GTPBP3 protein (p.Gly438Ser).